The following is an entry in ClinVar:

NM_020631.6(PLEKHG5):c.1804G>A (p.Asp602Asn)

Gene: PLEKHG5 (pleckstrin homology and RhoGEF domain containing G5; minus strand). Cytogenetic location: 1p36.31.
Variant type: single nucleotide variant.
Coding change: c.1804G>A on transcript NM_020631.6 (MANE Select); coding-DNA position 1804, G replaced by A.
Protein change: p.Asp602Asn; replaces aspartic acid 602 with asparagine.
Molecular consequence: missense variant.
Genome position (GRCh38, 1-based): chr1:6,469,673, C>T on the plus strand (G>A on the coding strand, the complement: PLEKHG5 is on the minus strand). VCF-style: chr1-6469673-C-T. GRCh37 (hg19) VCF-style: chr1-6529733-C-T.
Other names: c.1915G>A, p.Asp639Asn (NM_001042663.3, NM_001265592.2); c.1804G>A, p.Asp602Asn (NM_001042664.2, NM_001042665.2, NM_001265594.3 and 1 more transcripts); c.2011G>A, p.Asp671Asn (NM_001265593.2); short protein forms D602N, D671N, D639N.
Identifiers: ClinVar variation 569106 (VCV000569106.9), dbSNP rs1557738049, ClinGen allele CA338122623.
Genomic context (GRCh38, chr1:6,469,673, plus strand): 5'-CTGCCTTCTTCACTGCTTTGGTCACCAACAGCAGATCCGTGAAGAGGAAGCAGTACACAT[C>T]CATCTGCAGTGGCAGGAGGGGGGGTGGCCAGAGAGGCCAGCAGGGTCAGGGCCAGGGACT-3'
Protein context (NP_065682.2, residues 592-612): RMKEGKDSKM[Asp602Asn]VYCFLFTDLL

ClinVar aggregate classification (germline): Uncertain significance (1 of 4 stars; one submission).

Conditions:
Charcot-Marie-Tooth disease recessive intermediate C. Also called: CHARCOT-MARIE-TOOTH NEUROPATHY, RECESSIVE INTERMEDIATE C. Identifiers: Orphanet 369867, MedGen C3809309, MONDO:0014154, OMIM 615376.
Neuronopathy, distal hereditary motor, autosomal recessive 4. Also called: Autosomal recessive lower motor neuron disease with childhood onset; NEUROPATHY, DISTAL HEREDITARY MOTOR, AUTOSOMAL RECESSIVE 4. Identifiers: Orphanet 206580, MedGen C1970211, MONDO:0012608, OMIM 611067.

Submission:

Labcorp Genetics (formerly Invitae), Labcorp
Classification: Uncertain significance for Neuronopathy, distal hereditary motor, autosomal recessive 4; Charcot-Marie-Tooth disease recessive intermediate C. Last evaluated: 2018-05-29. Review status: criteria provided, single submitter. Criteria: Invitae Variant Classification Sherloc (09022015). Collection method: clinical testing. Allele origin: germline.
Comment: In summary, the available evidence is currently insufficient to determine the role of this variant in disease. Therefore, it has been classified as a Variant of Uncertain Significance. Algorithms developed to predict the effect of missense changes on protein structure and function are either unavailable or do not agree on the potential impact of this missense change (SIFT: "Deleterious"; PolyPhen-2: "Probably Damaging"; Align-GVGD: "Class C0"). This variant has not been reported in the literature in individuals with PLEKHG5-related disease. This variant is not present in population databases (ExAC no frequency). This sequence change replaces aspartic acid with asparagine at codon 602 of the PLEKHG5 protein (p.Asp602Asn). The aspartic acid residue is highly conserved and there is a small physicochemical difference between aspartic acid and asparagine.